The following is an entry in ClinVar:

NM_019892.6(INPP5E):c.1073C>T (p.Pro358Leu)

Gene: INPP5E (inositol polyphosphate-5-phosphatase E; minus strand). Cytogenetic location: 9q34.3.
Variant type: single nucleotide variant.
Coding change: c.1073C>T on transcript NM_019892.6 (MANE Select); coding-DNA position 1073, C replaced by T.
Protein change: p.Pro358Leu; replaces proline 358 with leucine.
Molecular consequence: missense variant.
Genome position (GRCh38, 1-based): chr9:136,433,241, G>A on the plus strand (C>T on the coding strand, the complement: INPP5E is on the minus strand). VCF-style: chr9-136433241-G-A. GRCh37 (hg19) VCF-style: chr9-139327693-G-A.
Other names: c.1073C>T, p.Pro358Leu (NM_001318502.2); c.1073C>T (NM_019892.4, NM_019892.5); short protein forms P358L.
Identifiers: ClinVar variation 1027152 (VCV001027152.18), dbSNP rs1835755632, ClinGen allele CA375564463.

ClinVar aggregate classification (germline): Conflicting classifications of pathogenicity. Review status: criteria provided, conflicting classifications (1 of 4 stars). 7 submissions from 7 submitters: Pathogenic (2); Likely pathogenic (3); Uncertain significance (2). Last evaluated 2025-11-17.

Conditions:
Joubert syndrome 1 (JBTS1). Also called: CEREBELLOPARENCHYMAL DISORDER IV; Cerebellooculorenal syndrome 1. Identifiers: MedGen C4551568, MONDO:0008944, OMIM 213300.
MORM syndrome (MORMS). Identifiers: Orphanet 75858, MedGen C1857802, MONDO:0012423, OMIM 610156.
Joubert syndrome. Also called: Familial aplasia of the vermis; JOUBERT-BOLTSHAUSER SYNDROME. Identifiers: Orphanet 475, MedGen C5979921, MONDO:0018772.
INPP5E-related disorder. Also called: INPP5E-related condition.

gnomAD v4.1: 5 of 1,592,738 alleles (0.00031%); highest among the groups gnomAD compares: Non-Finnish European, 0.00042%; no homozygotes.

Submissions (7):

Labcorp Genetics (formerly Invitae), Labcorp
Classification: Pathogenic for Joubert syndrome. Last evaluated: 2025-11-17. Review status: criteria provided, single submitter. Criteria: Invitae Variant Classification Sherloc (09022015). Collection method: clinical testing. Allele origin: germline.
Comment: This sequence change replaces proline, which is neutral and non-polar, with leucine, which is neutral and non-polar, at codon 358 of the INPP5E protein (p.Pro358Leu). This variant is not present in population databases (gnomAD no frequency). This missense change has been observed in individuals with inherited retinal disease and/or retinitis pigmentosa (PMID: 25999675, 36460718, 38465142; internal data). ClinVar contains an entry for this variant (Variation ID: 1027152). Invitae Evidence Modeling of protein sequence and biophysical properties (such as structural, functional, and spatial information, amino acid conservation, physicochemical variation, residue mobility, and thermodynamic stability) indicates that this missense variant is expected to disrupt INPP5E protein function with a positive predictive value of 95%. For these reasons, this variant has been classified as Pathogenic.

Women's Health and Genetics/Laboratory Corporation of America, LabCorp
Classification: Uncertain significance. Last evaluated: 2025-07-29. Review status: criteria provided, single submitter. Criteria: LabCorp Variant Classification Summary - May 2015. Collection method: clinical testing. Allele origin: germline.
Comment: Variant summary: INPP5E c.1073C>T (p.Pro358Leu) results in a non-conservative amino acid change located in the Inositol polyphosphate-related phosphatase domain (IPR000300) of the encoded protein sequence. Algorithms developed to predict the effect of missense changes on protein structure and function all suggest that this variant is likely to be disruptive. The variant was absent in 225288 control chromosomes. c.1073C>T has been reported in the literature in an individuals affected with retinal dystrophy (e.g., Xu_2015, Internal data). These data indicate that the variant may be associated with disease. To our knowledge, no experimental evidence demonstrating an impact on protein function has been reported. The following publication has been ascertained in the context of this evaluation (PMID: 25999675). ClinVar contains an entry for this variant (Variation ID: 1027152). Based on the evidence outlined above, the variant was classified as VUS-possibly pathogenic.

GeneDx
Classification: Likely pathogenic. Last evaluated: 2025-05-29. Review status: criteria provided, single submitter. Criteria: GeneDx Variant Classification Process June 2021. Collection method: clinical testing. Allele origin: germline. Affected: yes.
Comment: Not observed at significant frequency in large population cohorts (gnomAD); In silico analysis supports that this missense variant has a deleterious effect on protein structure/function; This variant is associated with the following publications: (PMID: 36460718, Huang_2022_NoPMID, 38806661, 23386033, 38465142, 25999675)

PreventionGenetics, part of Exact Sciences
Classification: Uncertain significance for INPP5E-related condition. Last evaluated: 2024-10-10. Review status: criteria provided, single submitter. Criteria: ACMG Guidelines, 2015. Collection method: clinical testing. Allele origin: germline.
Comment: The INPP5E c.1073C>T variant is predicted to result in the amino acid substitution p.Pro358Leu. This variant has been reported in compound heterozygous status in an individual with retinitis pigmentosa (Xu et al. 2015. PubMed ID: 25999675). This variant has also been reported in an Italian cohort with inherited retinal diseases; however, detailed clinical information was not provided (Karali et al. 2022. PubMed ID: 36460718). This variant has not been reported in a large population database (gnomAD), indicating this variant is rare. Although we suspect that this variant may be pathogenic, at this time, the clinical significance of this variant is uncertain due to the absence of conclusive functional and genetic evidence.

Institute of Medical Genetics and Applied Genomics, University Hospital Tübingen
Classification: Likely pathogenic for Joubert syndrome 1. Last evaluated: 2024-09-17. Review status: criteria provided, single submitter. Criteria: ACMG Guidelines, 2015. Collection method: clinical testing. Allele origin: germline. Inheritance: Autosomal recessive inheritance. Affected: yes.

Blueprint Genetics
Classification: Pathogenic for INPP5E-related disorders. Last evaluated: 2024-09-16. Review status: criteria provided, single submitter. Criteria: ACMG Guidelines, 2015. Collection method: clinical testing. Allele origin: germline. Affected: yes. Observed: 5 variant alleles.

Fulgent Genetics
Classification: Likely pathogenic for Joubert syndrome 1; MORM syndrome. Last evaluated: 2024-05-18. Review status: criteria provided, single submitter. Criteria: ACMG Guidelines, 2015. Collection method: clinical testing. Allele origin: germline.

Literature cited by the submitters: PubMed 25999675 (cited by Labcorp Genetics (formerly Invitae), Labcorp and Women's Health and Genetics/Laboratory Corporation of America, LabCorp); PubMed 36460718 (cited by Labcorp Genetics (formerly Invitae), Labcorp and Women's Health and Genetics/Laboratory Corporation of America, LabCorp); PubMed 38465142 (cited by Labcorp Genetics (formerly Invitae), Labcorp).